The following is an entry in ClinVar:

ClinVar aggregate classification (germline): Uncertain significance (1 of 4 stars; one submission).

Conditions:
Epilepsy, familial adult myoclonic, 5 (EPEO5). Also called: CORTICAL MYOCLONIC TREMOR WITH EPILEPSY, FAMILIAL, 5. Identifiers: Orphanet 86814, MedGen C3809374, MONDO:0014167, OMIM 615400.

Submission:

Baylor Genetics
Classification: Uncertain significance for Epilepsy, familial adult myoclonic, 5. Last evaluated: 2020-06-03. Review status: criteria provided, single submitter. Criteria: ACMG Guidelines, 2015. Collection method: clinical testing. Allele origin: unknown. Affected: yes.
Comment: This variant was determined to be of uncertain significance according to ACMG Guidelines, 2015 [PMID:25741868].

NM_005076.5(CNTN2):c.2983C>T (p.Pro995Ser)

Genes: CNTN2 (contactin 2; plus strand), LOC126805985 (MED14-independent group 3 enhancer GRCh37_chr1:205041546-205042745; plus strand). Cytogenetic location: 1q32.1.
Variant type: single nucleotide variant.
Coding change: c.2983C>T on transcript NM_005076.5 (MANE Select); coding-DNA position 2983, C replaced by T.
Protein change: p.Pro995Ser; replaces proline 995 with serine.
Molecular consequence: missense variant. On other transcripts: non-coding transcript variant (1).
Genome position (GRCh38, 1-based): chr1:205,073,206, C>T. VCF-style: chr1-205073206-C-T. GRCh37 (hg19) VCF-style: chr1-205042334-C-T.
Other names: c.2983C>T, p.Pro995Ser (NM_001346083.2); short protein forms P995S.
Identifiers: ClinVar variation 1028853 (VCV001028853.1), dbSNP rs1654685363, ClinGen allele CA344383652.